The following is an entry in ClinVar:

NM_001267550.2(TTN):c.81796G>T (p.Ala27266Ser)

Genes: TTN (titin; minus strand), TTN-AS1 (TTN antisense RNA 1; plus strand). Cytogenetic location: 2q31.2.
Variant type: single nucleotide variant.
Coding change: c.81796G>T on transcript NM_001267550.2 (MANE Select); coding-DNA position 81796, G replaced by T.
Protein change: p.Ala27266Ser; replaces alanine 27266 with serine.
Molecular consequence: missense variant.
Genome position (GRCh38, 1-based): chr2:178,564,336, C>A on the plus strand (G>T on the coding strand, the complement: TTN is on the minus strand). VCF-style: chr2-178564336-C-A. GRCh37 (hg19) VCF-style: chr2-179429063-C-A.
Other names: c.76873G>T, p.Ala25625Ser (NM_001256850.1); c.54601G>T, p.Ala18201Ser (NM_003319.4); c.74092G>T, p.Ala24698Ser (NM_133378.4); c.54976G>T, p.Ala18326Ser (NM_133432.3); c.55177G>T, p.Ala18393Ser (NM_133437.4); short protein forms A18201S, A18326S, A18393S, A24698S, A25625S, A27266S.
Identifiers: ClinVar variation 1216084 (VCV001216084.24), dbSNP rs2154162524, ClinGen allele CA349577811.

ClinVar aggregate classification (germline): Uncertain significance. Review status: criteria provided, multiple submitters, no conflicts (2 of 4 stars). 2 submissions from 2 submitters: Uncertain significance (2). Last evaluated 2024-03-01.

gnomAD v4.1: 1 of 1,613,670 alleles (0.000062%); highest among the groups gnomAD compares: Non-Finnish European, 0.000085%; no homozygotes.

Submissions (2):

CeGaT Center for Human Genetics Tuebingen
Classification: Uncertain significance. Last evaluated: 2024-03-01. Review status: criteria provided, single submitter. Criteria: CeGaT Center For Human Genetics Tuebingen Variant Classification Criteria Version 2. Collection method: clinical testing. Allele origin: germline. Affected: yes. Observed: 1 variant allele.
Comment: TTN: PM2

GeneDx
Classification: Uncertain significance. Last evaluated: 2019-11-20. Review status: criteria provided, single submitter. Criteria: GeneDx Variant Classification Process June 2021. Collection method: clinical testing. Allele origin: germline. Affected: yes.
Comment: Not observed in large population cohorts (Lek et al., 2016); Missense variant in a gene in which most reported pathogenic variants are truncating/loss-of-function; Has not been previously published as pathogenic or benign to our knowledge